The following is an entry in ClinVar:

ClinVar aggregate classification (germline): Likely benign (1 of 4 stars; one submission).

Allele frequency attached by ClinVar (database versions not stated): TOPMed 0.00451; gnomAD 0.00443; 1000 Genomes Project 0.00479; 1000 Genomes Project 30x 0.00578.
gnomAD v4.1: 673 of 152,076 alleles (0.44%); highest among the groups gnomAD compares: African/African-American, 1.5%; 3 homozygotes.

Submission:

GeneDx
Classification: Likely benign. Last evaluated: 2018-06-19. Review status: criteria provided, single submitter. Criteria: GeneDx Variant Classification (06012015). Collection method: clinical testing. Allele origin: germline. Affected: yes.
Comment: This variant is considered likely benign or benign based on one or more of the following criteria: it is a conservative change, it occurs at a poorly conserved position in the protein, it is predicted to be benign by multiple in silico algorithms, and/or has population frequency not consistent with disease.

NM_006073.4(TRDN):c.1247-201C>A

Gene: TRDN (triadin; minus strand). Cytogenetic location: 6q22.31.
Variant type: single nucleotide variant.
Coding change: c.1247-201C>A on transcript NM_006073.4 (MANE Select); 201 bases into the intron before coding-DNA position 1247, C replaced by A.
Molecular consequence: intron variant.
Genome position (GRCh38, 1-based): chr6:123,375,832, G>T on the plus strand (C>A on the coding strand, the complement: TRDN is on the minus strand). VCF-style: chr6-123375832-G-T. GRCh37 (hg19) VCF-style: chr6-123696977-G-T.
Other names: c.1250-201C>A (NM_001251987.2).
Identifiers: ClinVar variation 679118 (VCV000679118.1), dbSNP rs113726321, ClinGen allele CA147257237.
Genomic context (GRCh38, chr6:123,375,832, plus strand): 5'-AGGAAAATATAATACTGTGCCATTTTTCTGATATAATCCAAATATATTCCATGAATTATA[G>T]AATTTTATTGTTTGTTATTCATACTTCTCCCAACACAGAATATTCATTTACAAATCAATC-3'